The following is an entry in ClinVar:

NM_022114.4(PRDM16):c.3580A>G (p.Lys1194Glu)

Gene: PRDM16 (PR/SET domain 16; plus strand). Cytogenetic location: 1p36.32.
Variant type: single nucleotide variant.
Coding change: c.3580A>G on transcript NM_022114.4 (MANE Select); coding-DNA position 3580, A replaced by G.
Protein change: p.Lys1194Glu; replaces lysine 1194 with glutamic acid.
Molecular consequence: missense variant.
Genome position (GRCh38, 1-based): chr1:3,432,024, A>G. VCF-style: chr1-3432024-A-G. GRCh37 (hg19) VCF-style: chr1-3348588-A-G.
Other names: c.3580A>G, p.Lys1194Glu (NM_199454.3); short protein forms K1194E.
Identifiers: ClinVar variation 1492247 (VCV001492247.8), dbSNP rs748925025, ClinGen allele CA544916.

ClinVar aggregate classification (germline): Uncertain significance (1 of 4 stars; one submission).

Conditions:
Left ventricular noncompaction 8 (LVNC8). Identifiers: Orphanet 154, Orphanet 54260, MedGen C3809288, MONDO:0014152, OMIM 615373.

Allele frequency attached by ClinVar (database versions not stated): ExAC 0.00001; gnomAD exomes 0.00001.
gnomAD v4.1: 8 of 1,614,078 alleles (0.0005%); highest among the groups gnomAD compares: Non-Finnish European, 0.00068%; no homozygotes.

Submission:

Labcorp Genetics (formerly Invitae), Labcorp
Classification: Uncertain significance for Left ventricular noncompaction 8. Last evaluated: 2021-02-25. Review status: criteria provided, single submitter. Criteria: Invitae Variant Classification Sherloc (09022015). Collection method: clinical testing. Allele origin: germline.
Comment: In summary, the available evidence is currently insufficient to determine the role of this variant in disease. Therefore, it has been classified as a Variant of Uncertain Significance. Algorithms developed to predict the effect of missense changes on protein structure and function (SIFT, PolyPhen-2, Align-GVGD) all suggest that this variant is likely to be disruptive, but these predictions have not been confirmed by published functional studies and their clinical significance is uncertain. This variant has not been reported in the literature in individuals with PRDM16-related conditions. This variant is present in population databases (rs748925025, ExAC 0.002%). This sequence change replaces lysine with glutamic acid at codon 1194 of the PRDM16 protein (p.Lys1194Glu). The lysine residue is highly conserved and there is a small physicochemical difference between lysine and glutamic acid.